The following is an entry in ClinVar:

NM_001164665.2(KIAA1549):c.3344C>T (p.Ala1115Val)

Gene: KIAA1549 (KIAA1549; minus strand). Cytogenetic location: 7q34.
Variant type: single nucleotide variant.
Coding change: c.3344C>T on transcript NM_001164665.2 (MANE Select); coding-DNA position 3344, C replaced by T.
Protein change: p.Ala1115Val; replaces alanine 1115 with valine.
Molecular consequence: missense variant.
Genome position (GRCh38, 1-based): chr7:138,907,035, G>A on the plus strand (C>T on the coding strand, the complement: KIAA1549 is on the minus strand). VCF-style: chr7-138907035-G-A. GRCh37 (hg19) VCF-style: chr7-138591781-G-A.
Other names: c.3344C>T, p.Ala1115Val (NM_020910.3); short protein forms A1115V.
Identifiers: ClinVar variation 1064206 (VCV001064206.6), dbSNP rs374288943, ClinGen allele CA4506236.

ClinVar aggregate classification (germline): Uncertain significance. Review status: criteria provided, multiple submitters, no conflicts (2 of 4 stars). 2 submissions from 2 submitters: Uncertain significance (2). Last evaluated 2024-11-20.

Allele frequency attached by ClinVar (database versions not stated): gnomAD 0.00004 and 0.00005; gnomAD exomes 0.00005 and 0.00006; TOPMed 0.00006; ExAC 0.00007; ESP Exome Variant Server 0.00008.
gnomAD v4.1: 85 of 1,613,328 alleles (0.0053%); highest among the groups gnomAD compares: Middle Eastern, 0.05%; no homozygotes.

Submissions (2):

Blueprint Genetics
Classification: Uncertain significance. Last evaluated: 2024-11-20. Review status: criteria provided, single submitter. Criteria: ACMG Guidelines, 2015. Collection method: clinical testing. Allele origin: germline.

Labcorp Genetics (formerly Invitae), Labcorp
Classification: Uncertain significance. Last evaluated: 2024-04-17. Review status: criteria provided, single submitter. Criteria: Invitae Variant Classification Sherloc (09022015). Collection method: clinical testing. Allele origin: germline.
Comment: This sequence change replaces alanine, which is neutral and non-polar, with valine, which is neutral and non-polar, at codon 1115 of the KIAA1549 protein (p.Ala1115Val). This variant is present in population databases (rs374288943, gnomAD 0.02%). This variant has not been reported in the literature in individuals affected with KIAA1549-related conditions. ClinVar contains an entry for this variant (Variation ID: 1064206). An algorithm developed to predict the effect of missense changes on protein structure and function (PolyPhen-2) suggests that this variant is likely to be disruptive. In summary, the available evidence is currently insufficient to determine the role of this variant in disease. Therefore, it has been classified as a Variant of Uncertain Significance.